The following is an entry in ClinVar:

NM_001009999.3(KDM1A):c.677C>A (p.Thr226Asn)

Gene: KDM1A (lysine demethylase 1A; plus strand). Cytogenetic location: 1p36.12.
Variant type: single nucleotide variant.
Coding change: c.677C>A on transcript NM_001009999.3 (MANE Select); coding-DNA position 677, C replaced by A.
Protein change: p.Thr226Asn; replaces threonine 226 with asparagine.
Molecular consequence: missense variant.
Genome position (GRCh38, 1-based): chr1:23,050,486, C>A. VCF-style: chr1-23050486-C-A. GRCh37 (hg19) VCF-style: chr1-23376979-C-A.
Other names: c.617C>A, p.Thr206Asn (NM_001363654.2, NM_001410763.1, NM_015013.4); c.677C>A, p.Thr226Asn (NM_001410762.1); short protein forms T206N, T226N.
Identifiers: ClinVar variation 3863329 (VCV003863329.1).

ClinVar aggregate classification (germline): Uncertain significance (1 of 4 stars; one submission).

Conditions:
Inborn genetic diseases. Identifiers: MedGen C0950123, MeSH D030342.

gnomAD v4.1: 3 of 1,610,560 alleles (0.00019%); highest among the groups gnomAD compares: South Asian, 0.0022%; no homozygotes.

Submission:

Ambry Genetics
Classification: Uncertain significance for Inborn genetic diseases. Last evaluated: 2025-02-15. Review status: criteria provided, single submitter. Criteria: Ambry Variant Classification Scheme 2023. Collection method: clinical testing. Allele origin: germline.
Comment: The p.T226N variant (also known as c.677C>A), located in coding exon 4 of the KDM1A gene, results from a C to A substitution at nucleotide position 677. The threonine at codon 226 is replaced by asparagine, an amino acid with similar properties. This amino acid position is conserved. In addition, this alteration is predicted to be tolerated by in silico analysis. Based on the available evidence, the clinical significance of this variant remains unclear.